The following is an entry in ClinVar:

ClinVar aggregate classification (germline): Pathogenic (1 of 4 stars; one submission).

Conditions:
LEPR-related disorder. Also called: LEPR-related disorders; LEPR-related condition.

Submission:

PreventionGenetics, part of Exact Sciences
Classification: Pathogenic for LEPR-related condition. Last evaluated: 2026-04-03. Review status: criteria provided, single submitter. Criteria: ACMG Guidelines, 2015. Collection method: clinical testing. Allele origin: germline.
Comment: The LEPR c.1776delA variant is predicted to result in a frameshift and premature protein termination (p.Lys592Asnfs*25). To our knowledge, this variant has not been reported in the literature or in a large population database, indicating this variant is rare. Frameshift variants in LEPR are expected to be pathogenic. Of note, truncating variants in this gene have been commonly reported to be pathogenic for obesity due to leptin receptor deficiency (reviewed by Kleinendorst et al. 2020. PubMed ID: 31658438; OMIM #614963). This variant is interpreted as pathogenic.

NM_002303.6(LEPR):c.1776del (p.Lys592fs)

Gene: LEPR (leptin receptor; plus strand). Cytogenetic location: 1p31.3.
Variant type: Deletion.
Coding change: c.1776del on transcript NM_002303.6 (MANE Select); coding-DNA position 1776, one base deleted (A; older notation c.1776delA).
Protein change: p.Lys592fs; shifts the reading frame from lysine 592.
Molecular consequence: frameshift variant.
Genome position (GRCh38, 1-based): chr1:65,609,970, A deleted; the last of 4 consecutive A bases (chr1:65,609,967-65,609,970); deleting any one gives the same sequence. VCF-style (leftmost placement, unchanged base first): chr1-65609966-CA-C. GRCh37 (hg19) VCF-style: chr1-66075649-CA-C.
Other names: c.1776del, p.Lys592fs (NM_001003679.3, NM_001003680.3, NM_001198687.2 and 2 more transcripts); short protein forms K592fs.
Identifiers: ClinVar variation 3351586 (VCV003351586.2).